The following is an entry in ClinVar:

NM_017802.4(DNAAF5):c.822G>T (p.Leu274=)

Gene: DNAAF5 (dynein axonemal assembly factor 5; plus strand). Cytogenetic location: 7p22.3.
Variant type: single nucleotide variant.
Coding change: c.822G>T on transcript NM_017802.4 (MANE Select); coding-DNA position 822, G replaced by T.
Protein change: p.Leu274=; no amino-acid change (leucine 274 retained).
Molecular consequence: synonymous variant. On other transcripts: non-coding transcript variant (1).
Genome position (GRCh38, 1-based): chr7:740,860, G>T. VCF-style: chr7-740860-G-T. GRCh37 (hg19) VCF-style: chr7-780497-G-T.
Identifiers: ClinVar variation 4280801 (VCV004280801.7).

ClinVar aggregate classification (germline): Likely benign (1 of 4 stars; one submission).

gnomAD v4.1: 10 of 1,614,090 alleles (0.00062%); highest among the groups gnomAD compares: South Asian, 0.0044%; no homozygotes.

Submission:

CeGaT Center for Human Genetics Tuebingen
Classification: Likely benign. Last evaluated: 2025-09-01. Review status: criteria provided, single submitter. Criteria: CeGaT Center For Human Genetics Tuebingen Variant Classification Criteria Version 2. Collection method: clinical testing. Allele origin: germline. Affected: yes. Observed: 1 variant allele.
Comment: DNAAF5: BP4, BP7